The following is an entry in ClinVar:

NM_000035.4(ALDOB):c.759C>A (p.Thr253=)

Gene: ALDOB (aldolase, fructose-bisphosphate B; minus strand). Cytogenetic location: 9q31.1.
Variant type: single nucleotide variant.
Coding change: c.759C>A on transcript NM_000035.4 (MANE Select); coding-DNA position 759, C replaced by A.
Protein change: p.Thr253=; no amino-acid change (threonine 253 retained).
Molecular consequence: synonymous variant.
Genome position (GRCh38, 1-based): chr9:101,425,493, G>T on the plus strand (C>A on the coding strand, the complement: ALDOB is on the minus strand). VCF-style: chr9-101425493-G-T. GRCh37 (hg19) VCF-style: chr9-104187775-G-T.
Identifiers: ClinVar variation 756013 (VCV000756013.12), dbSNP rs146360505, ClinGen allele CA5161484.

ClinVar aggregate classification (germline): Likely benign. Review status: criteria provided, single submitter (1 of 4 stars). 2 submissions from 2 submitters: Likely benign (1). 1 of the submissions does not count toward it. Last evaluated 2026-01-20.

Conditions:
ALDOB-related disorder. Also called: ALDOB-related condition.
Hereditary fructosuria. Also called: Fructose intolerance; ALDOB DEFICIENCY; ALDOLASE B DEFICIENCY; FRUCTOSE-1,6-BISPHOSPHATE ALDOLASE B DEFICIENCY; FRUCTOSE-1-PHOSPHATE ALDOLASE DEFICIENCY; FRUCTOSEMIA. Identifiers: Orphanet 469, MedGen C0016751, MONDO:0009249, OMIM 229600, HP:0005973. Disease mechanism: loss of function.

Allele frequency attached by ClinVar (database versions not stated): TOPMed 0.00003.
gnomAD v4.1: 35 of 1,614,006 alleles (0.0022%); highest among the groups gnomAD compares: East Asian, 0.069%; no homozygotes.

Submissions (2):

Labcorp Genetics (formerly Invitae), Labcorp
Classification: Likely benign for Hereditary fructosuria. Last evaluated: 2026-01-20. Review status: criteria provided, single submitter. Criteria: Invitae Variant Classification Sherloc (09022015). Collection method: clinical testing. Allele origin: germline.

PreventionGenetics, part of Exact Sciences
Classification: Likely benign for ALDOB-related condition. Last evaluated: 2020-10-15. Review status: no assertion criteria provided. Collection method: clinical testing. Allele origin: germline. Not counted in ClinVar's aggregate classification.
Comment: This variant is classified as likely benign based on ACMG/AMP sequence variant interpretation guidelines (Richards et al. 2015 PMID: 25741868, with internal and published modifications).